The following is an entry in ClinVar:

NM_000262.3(NAGA):c.-208G>C

Gene: NAGA (alpha-N-acetylgalactosaminidase; minus strand). Cytogenetic location: 22q13.2.
Variant type: single nucleotide variant.
Coding change: c.-208G>C on transcript NM_000262.3 (MANE Select); 208 bases upstream of the start codon, G replaced by C.
Molecular consequence: 5 prime UTR variant. On other transcripts: intron variant (2).
Genome position (GRCh38, 1-based): chr22:42,070,505, C>G on the plus strand (G>C on the coding strand, the complement: NAGA is on the minus strand). VCF-style: chr22-42070505-C-G. GRCh37 (hg19) VCF-style: chr22-42466509-C-G.
Other names: c.-69-139G>C (NM_001362850.1); c.-76-132G>C (NM_001362848.1).
Identifiers: ClinVar variation 341917 (VCV000341917.7), dbSNP rs133375, ClinGen allele CA10654174.

ClinVar aggregate classification (germline): Benign. Review status: criteria provided, multiple submitters, no conflicts (2 of 4 stars). 4 submissions from 3 submitters: Benign (4). Last evaluated 2018-06-19.

Conditions:
Alpha-N-acetylgalactosaminidase deficiency type 2. Also called: ALPHA-N-ACETYLGALACTOSAMINIDASE DEFICIENCY, TYPE II; NAGA DEFICIENCY, TYPE II; SCHINDLER DISEASE, TYPE II. Identifiers: Orphanet 3137, Orphanet 79280, MedGen C1836522, MONDO:0012222, OMIM 609242.
Alpha-N-acetylgalactosaminidase deficiency type 1. Also called: SCHINDLER DISEASE, TYPE I; ALPHA-N-ACETYLGALACTOSAMINIDASE DEFICIENCY, TYPE I; NAGA DEFICIENCY, TYPE I; NEUROAXONAL DYSTROPHY, SCHINDLER TYPE. Identifiers: Orphanet 3137, Orphanet 79279, Orphanet 79281, MedGen C1836544, MONDO:0012221, OMIM 609241.

Allele frequency attached by ClinVar (database versions not stated): gnomAD 0.61550 and 0.61845; TOPMed 0.62110; 1000 Genomes Project 30x 0.63882; 1000 Genomes Project 0.64237; gnomAD exomes 0.66624.
gnomAD v4.1: 432,814 of 661,182 alleles (65%); highest among the groups gnomAD compares: East Asian, 85%; 143,710 homozygotes.

Submissions (4):

GeneDx
Classification: Benign. Last evaluated: 2018-06-19. Review status: criteria provided, single submitter. Criteria: GeneDx Variant Classification (06012015). Collection method: clinical testing. Allele origin: germline. Affected: yes.
Comment: This variant is considered likely benign or benign based on one or more of the following criteria: it is a conservative change, it occurs at a poorly conserved position in the protein, it is predicted to be benign by multiple in silico algorithms, and/or has population frequency not consistent with disease.

Illumina Laboratory Services, Illumina
Classification: Benign for Alpha-N-acetylgalactosaminidase deficiency type 1. Last evaluated: 2018-01-12. Review status: criteria provided, single submitter. Criteria: ICSL Variant Classification Criteria 13 December 2019. Collection method: clinical testing. Allele origin: germline.
Comment: This variant was observed in the ICSL laboratory as part of a predisposition screen in an ostensibly healthy population. It had not been previously curated by ICSL or reported in the Human Gene Mutation Database (HGMD: prior to June 1st, 2018), and was therefore a candidate for classification through an automated scoring system. Utilizing variant allele frequency, disease prevalence and penetrance estimates, and inheritance mode, an automated score was calculated to assess if this variant is too frequent to cause the disease. Based on the score and internal cut-off values, a variant classified as benign is not then subjected to further curation. The score for this variant resulted in a classification of benign for this disease.

Illumina Laboratory Services, Illumina
Classification: Benign for Alpha-N-acetylgalactosaminidase deficiency type 2. Last evaluated: 2018-01-12. Review status: criteria provided, single submitter. Criteria: ICSL Variant Classification Criteria 13 December 2019. Collection method: clinical testing. Allele origin: germline.
Comment: the same text as in the submission from Illumina Laboratory Services, Illumina above.

Breakthrough Genomics
Classification: Benign. Review status: criteria provided, single submitter. Criteria: ACMG Guidelines, 2015. Collection method: not provided. Allele origin: germline. Inheritance: Autosomal recessive inheritance. Affected: yes.